The following is an entry in ClinVar:

NM_001854.4(COL11A1):c.3868G>T (p.Ala1290Ser)

Gene: COL11A1 (collagen type XI alpha 1 chain; minus strand). Cytogenetic location: 1p21.1.
Variant type: single nucleotide variant.
Coding change: c.3868G>T on transcript NM_001854.4 (MANE Select); coding-DNA position 3868, G replaced by T.
Protein change: p.Ala1290Ser; replaces alanine 1290 with serine.
Molecular consequence: missense variant. On other transcripts: non-coding transcript variant (1).
Genome position (GRCh38, 1-based): chr1:102,914,760, C>A on the plus strand (G>T on the coding strand, the complement: COL11A1 is on the minus strand). VCF-style: chr1-102914760-C-A. GRCh37 (hg19) VCF-style: chr1-103380316-C-A.
Other names: c.3751G>T, p.Ala1251Ser (NM_001190709.2); c.3904G>T, p.Ala1302Ser (NM_080629.3); c.3520G>T, p.Ala1174Ser (NM_080630.4); short protein forms A1290S, A1302S, A1174S, A1251S.
Identifiers: ClinVar variation 392911 (VCV000392911.13), dbSNP rs370988085, ClinGen allele CA973789.

ClinVar aggregate classification (germline): Conflicting classifications of pathogenicity. Review status: criteria provided, conflicting classifications (1 of 4 stars). 4 submissions from 4 submitters: Uncertain significance (3); Benign (1). Last evaluated 2025-10-11.

Conditions:
Inborn genetic diseases. Identifiers: MedGen C0950123, MeSH D030342.

Allele frequency attached by ClinVar (database versions not stated): ExAC 0.00003; gnomAD 0.00003; TOPMed 0.00003; gnomAD exomes 0.00004 and 0.00006; ESP Exome Variant Server 0.00015.
gnomAD v4.1: 100 of 1,613,008 alleles (0.0062%); highest among the groups gnomAD compares: Non-Finnish European, 0.0076%; no homozygotes.

Submissions (4):

Labcorp Genetics (formerly Invitae), Labcorp
Classification: Benign. Last evaluated: 2025-10-11. Review status: criteria provided, single submitter. Criteria: Invitae Variant Classification Sherloc (09022015). Collection method: clinical testing. Allele origin: germline.

GeneDx
Classification: Uncertain significance. Last evaluated: 2025-08-14. Review status: criteria provided, single submitter. Criteria: GeneDx Variant Classification Process June 2021. Collection method: clinical testing. Allele origin: germline. Affected: yes.
Comment: In silico analysis suggests that this missense variant does not alter protein structure/function; Reported in a cohort of patients with adolescent idiopathic scoliosis (AIS) in published literature (PMID: 26566670); This variant is associated with the following publications: (PMID: 26566670)

Blueprint Genetics
Classification: Uncertain significance. Last evaluated: 2024-11-19. Review status: criteria provided, single submitter. Criteria: ACMG Guidelines, 2015. Collection method: clinical testing. Allele origin: germline.

Ambry Genetics
Classification: Uncertain significance for Inborn genetic diseases. Last evaluated: 2023-05-30. Review status: criteria provided, single submitter. Criteria: Ambry Variant Classification Scheme 2023. Collection method: clinical testing. Allele origin: germline.